The following is an entry in ClinVar:

ClinVar aggregate classification (germline): Likely benign. Review status: criteria provided, multiple submitters, no conflicts (2 of 4 stars). 3 submissions from 3 submitters: Likely benign (2). 1 of the submissions does not count toward it. Last evaluated 2025-05-04.

Conditions:
RDH11-related disorder. Also called: RDH11-related condition.

Allele frequency attached by ClinVar (database versions not stated): gnomAD 0.00001; gnomAD exomes 0.00006 and 0.00011; ExAC 0.00010.
gnomAD v4.1: 81 of 1,614,022 alleles (0.005%); highest among the groups gnomAD compares: South Asian, 0.083%; 2 homozygotes.

Submissions (3):

Labcorp Genetics (formerly Invitae), Labcorp
Classification: Likely benign. Last evaluated: 2025-05-04. Review status: criteria provided, single submitter. Criteria: Invitae Variant Classification Sherloc (09022015). Collection method: clinical testing. Allele origin: germline.

Blueprint Genetics
Classification: Likely benign. Last evaluated: 2024-01-17. Review status: criteria provided, single submitter. Criteria: ACMG Guidelines, 2015. Collection method: clinical testing. Allele origin: germline.

PreventionGenetics, part of Exact Sciences
Classification: Likely benign for RDH11-related condition. Last evaluated: 2019-04-09. Review status: no assertion criteria provided. Collection method: clinical testing. Allele origin: germline. Not counted in ClinVar's aggregate classification.
Comment: This variant is classified as likely benign based on ACMG/AMP sequence variant interpretation guidelines (Richards et al. 2015 PMID: 25741868, with internal and published modifications).

NM_016026.4(RDH11):c.807C>T (p.His269=)

Genes: GPHN (gephyrin; plus strand), RDH11 (retinol dehydrogenase 11; minus strand). Cytogenetic location: 14q24.1.
Variant type: single nucleotide variant.
Coding change: c.807C>T on transcript NM_016026.4 (MANE Select); coding-DNA position 807, C replaced by T.
Protein change: p.His269=; no amino-acid change (histidine 269 retained).
Molecular consequence: synonymous variant.
Genome position (GRCh38, 1-based): chr14:67,685,062, G>A on the plus strand (C>T on the coding strand, the complement: RDH11 is on the minus strand). VCF-style: chr14-67685062-G-A. GRCh37 (hg19) VCF-style: chr14-68151779-G-A.
Other names: c.597C>T, p.His199= (NM_001252650.2); c.807C>T (NM_016026.3).
Identifiers: ClinVar variation 1611767 (VCV001611767.11), dbSNP rs765191328, ClinGen allele CA7238293.